The following is an entry in ClinVar:

ClinVar aggregate classification (germline): Uncertain significance (1 of 4 stars; one submission).

Conditions:
Transcobalamin II deficiency (TCN2D). Also called: TC II DEFICIENCY; TCN2 DEFICIENCY; Transcolabamin II deficiency. Identifiers: Orphanet 859, MedGen C0342701, MONDO:0010149, OMIM 275350.

Submission:

Labcorp Genetics (formerly Invitae), Labcorp
Classification: Uncertain significance for Transcobalamin II deficiency. Last evaluated: 2023-10-03. Review status: criteria provided, single submitter. Criteria: Invitae Variant Classification Sherloc (09022015). Collection method: clinical testing. Allele origin: germline.
Comment: This sequence change replaces histidine, which is basic and polar, with glutamine, which is neutral and polar, at codon 3 of the TCN2 protein (p.His3Gln). This variant is not present in population databases (gnomAD no frequency). This variant has not been reported in the literature in individuals affected with TCN2-related conditions. ClinVar contains an entry for this variant (Variation ID: 961649). An algorithm developed to predict the effect of missense changes on protein structure and function (PolyPhen-2) suggests that this variant is likely to be disruptive. In summary, the available evidence is currently insufficient to determine the role of this variant in disease. Therefore, it has been classified as a Variant of Uncertain Significance.

NM_000355.4(TCN2):c.9C>G (p.His3Gln)

Genes: TCN2 (transcobalamin 2; plus strand), LOC121853040 (Sharpr-MPRA regulatory region 10016; plus strand). Cytogenetic location: 22q12.2.
Variant type: single nucleotide variant.
Coding change: c.9C>G on transcript NM_000355.4 (MANE Select); coding-DNA position 9, C replaced by G.
Protein change: p.His3Gln; replaces histidine 3 with glutamine.
Molecular consequence: missense variant.
Genome position (GRCh38, 1-based): chr22:30,607,340, C>G. VCF-style: chr22-30607340-C-G. GRCh37 (hg19) VCF-style: chr22-31003327-C-G.
Other names: c.9C>G, p.His3Gln (NM_001184726.2); short protein forms H3Q.
Identifiers: ClinVar variation 961649 (VCV000961649.10), dbSNP rs1489889957, ClinGen allele CA411204657.